The following is an entry in ClinVar:

NM_000138.5(FBN1):c.8249A>C (p.Asn2750Thr)

Gene: FBN1 (fibrillin 1; minus strand). Cytogenetic location: 15q21.1.
Variant type: single nucleotide variant.
Coding change: c.8249A>C on transcript NM_000138.5 (MANE Select); coding-DNA position 8249, A replaced by C.
Protein change: p.Asn2750Thr; replaces asparagine 2750 with threonine.
Molecular consequence: missense variant.
Genome position (GRCh38, 1-based): chr15:48,411,357, T>G on the plus strand (A>C on the coding strand, the complement: FBN1 is on the minus strand). VCF-style: chr15-48411357-T-G. GRCh37 (hg19) VCF-style: chr15-48703554-T-G.
Other names: c.8249A>C, p.Asn2750Thr (NM_001406716.1); short protein forms N2750T.
Identifiers: ClinVar variation 2775394 (VCV002775394.4), dbSNP rs763816801, ClinGen allele CA059873.
Genomic context (GRCh38, chr15:48,411,357, plus strand): 5'-TGGGAAATATTGAAAGCAAAGATGGCTGTCTTCTCAACATCCCAACTTGCAAGACTCACA[T>G]TGGCTTCTGTCTCAGACTGATCCTGGAAAGACACATGGCAATATGTTAAATACAATGTAC-3'
Protein context (NP_000129.3, residues 2740-2760): NIEDQSETEA[Asn2750Thr]VSLASWDVEK

ClinVar aggregate classification (germline): Conflicting classifications of pathogenicity. Review status: criteria provided, conflicting classifications (1 of 4 stars). 3 submissions from 3 submitters: Uncertain significance (2); Benign (1). Last evaluated 2026-05-24.

Conditions:
Marfan syndrome (MFS). Also called: FBN1-Related Marfan Syndrome; MARFAN SYNDROME, TYPE I; Marfan syndrome type 1; Marfan's syndrome; Marfan syndrome, classic. Identifiers: Orphanet 284963, Orphanet 558, MedGen C0024796, MONDO:0007947, OMIM 154700.
Familial thoracic aortic aneurysm and aortic dissection (TAAD). Also called: Thoracic aortic aneurysms and dissections. Identifiers: Orphanet 91387, MedGen C4707243, MONDO:0019625.

Allele frequency attached by ClinVar (database versions not stated): TOPMed 0.00001; ExAC 0.00001.
gnomAD v4.1: 1 of 1,614,074 alleles (0.000062%); highest among the groups gnomAD compares: African/African-American, 0.0013%; no homozygotes.

Submissions (3):

Ambry Genetics
Classification: Uncertain significance for Familial thoracic aortic aneurysm and aortic dissection. Last evaluated: 2026-05-24. Review status: criteria provided, single submitter. Criteria: Ambry Variant Classification Scheme 2023. Collection method: clinical testing. Allele origin: germline.
Comment: The p.N2750T variant (also known as c.8249A>C), located in coding exon 65 of the FBN1 gene, results from an A to C substitution at nucleotide position 8249. The asparagine at codon 2750 is replaced by threonine, an amino acid with similar properties. This amino acid position is conserved. In addition, this alteration is predicted to be tolerated by in silico analysis. Based on the available evidence, the clinical significance of this variant remains unclear.

Labcorp Genetics (formerly Invitae), Labcorp
Classification: Benign for Marfan syndrome; Familial thoracic aortic aneurysm and aortic dissection. Last evaluated: 2025-08-18. Review status: criteria provided, single submitter. Criteria: Invitae Variant Classification Sherloc (09022015). Collection method: clinical testing. Allele origin: germline.

Color Diagnostics, LLC DBA Color Health
Classification: Uncertain significance for Familial thoracic aortic aneurysm and aortic dissection. Last evaluated: 2023-02-17. Review status: criteria provided, single submitter. Criteria: ACMG Guidelines, 2015. Collection method: clinical testing. Allele origin: germline.
Comment: This missense variant replaces asparagine with threonine at codon 2750 of the FBN1 protein. Computational prediction suggests that this variant may not impact protein structure and function (internally defined REVEL score threshold <= 0.5, PMID: 27666373). To our knowledge, functional studies have not been reported for this variant. This variant has not been reported in individuals affected with FBN1-related disorders in the literature. This variant has been identified in 1/251132 chromosomes in the general population by the Genome Aggregation Database (gnomAD). The available evidence is insufficient to determine the role of this variant in disease conclusively. Therefore, this variant is classified as a Variant of Uncertain Significance.